The following is an entry in ClinVar:

NM_001267550.2(TTN):c.55121-10G>A

Genes: TTN (titin; minus strand), TTN-AS1 (TTN antisense RNA 1; plus strand). Cytogenetic location: 2q31.2.
Variant type: single nucleotide variant.
Coding change: c.55121-10G>A on transcript NM_001267550.2 (MANE Select); 10 bases into the intron before coding-DNA position 55121, G replaced by A.
Molecular consequence: intron variant.
Genome position (GRCh38, 1-based): chr2:178,602,160, C>T on the plus strand (G>A on the coding strand, the complement: TTN is on the minus strand). VCF-style: chr2-178602160-C-T. GRCh37 (hg19) VCF-style: chr2-179466887-C-T.
Other names: c.27926-10G>A (NM_003319.4); c.28502-10G>A (NM_133437.4); c.28301-10G>A (NM_133432.3); c.47417-10G>A (NM_133378.4); c.50198-10G>A (NM_001256850.1).
Identifiers: ClinVar variation 3775498 (VCV003775498.1).

ClinVar aggregate classification (germline): Uncertain significance (1 of 4 stars; one submission).

Conditions:
Dilated cardiomyopathy 1G (CMD1G). Identifiers: Orphanet 154, MedGen C1858763, MONDO:0011400, OMIM 604145.

Submission:

3billion
Classification: Uncertain significance for Dilated cardiomyopathy 1G. Last evaluated: 2023-09-07. Review status: criteria provided, single submitter. Criteria: ACMG Guidelines, 2015. Collection method: clinical testing. Allele origin: germline. Affected: yes.
Comment: The variant is not observed in the gnomAD v2.1.1 dataset. Predicted Consequence/Location: Intron variant In silico tools predict the variant to alter splicing and produce an abnormal transcript [SpliceAI: 1.00 (>=0.2, moderate evidence for spliceogenicity)]. Therefore, this variant is classified as VUS according to the recommendation of ACMG/AMP guideline.